The following is an entry in ClinVar:

NM_000092.5(COL4A4):c.*2311C>T

Gene: COL4A4 (collagen type IV alpha 4 chain; minus strand). Cytogenetic location: 2q36.3.
Variant type: single nucleotide variant.
Coding change: c.*2311C>T on transcript NM_000092.5 (MANE Select); 2311 bases downstream of the stop codon, C replaced by T.
Molecular consequence: 3 prime UTR variant.
Genome position (GRCh38, 1-based): chr2:227,005,014, G>A on the plus strand (C>T on the coding strand, the complement: COL4A4 is on the minus strand). VCF-style: chr2-227005014-G-A. GRCh37 (hg19) VCF-style: chr2-227869730-G-A.
Identifiers: ClinVar variation 334667 (VCV000334667.5), dbSNP rs77079951, ClinGen allele CA10614582.

ClinVar aggregate classification (germline): Likely benign (1 of 4 stars; one submission).

Conditions:
Alport syndrome. Also called: Hemorrhagic familial nephritis; Hemorrhagic hereditary nephritis; Congenital hereditary hematuria. Identifiers: Orphanet 63, MedGen C1567741, MONDO:0018965.

Allele frequency attached by ClinVar (database versions not stated): gnomAD 0.00608 and 0.00666; 1000 Genomes Project 0.00619; 1000 Genomes Project 30x 0.00687; TOPMed 0.00707.

Submission:

Illumina Laboratory Services, Illumina
Classification: Likely benign for Alport syndrome. Last evaluated: 2018-01-13. Review status: criteria provided, single submitter. Criteria: ICSL Variant Classification Criteria 13 December 2019. Collection method: clinical testing. Allele origin: germline.
Comment: This variant was observed in the ICSL laboratory as part of a predisposition screen in an ostensibly healthy population. It had not been previously curated by ICSL or reported in the Human Gene Mutation Database (HGMD: prior to June 1st, 2018), and was therefore a candidate for classification through an automated scoring system. Utilizing variant allele frequency, disease prevalence and penetrance estimates, and inheritance mode, an automated score was calculated to assess if this variant is too frequent to cause the disease. Based on the score and internal cut-off values, a variant classified as likely benign is not then subjected to further curation. The score for this variant resulted in a classification of likely benign for this disease.